The following is an entry in ClinVar:

NM_139159.5(DPP9):c.1465G>A (p.Val489Ile)

Genes: DPP9 (dipeptidyl peptidase 9; minus strand), LOC126862840 (P300/CBP strongly-dependent group 1 enhancer GRCh37_chr19:4694063-4695262; plus strand). Cytogenetic location: 19p13.3.
Variant type: single nucleotide variant.
Coding change: c.1465G>A on transcript NM_139159.5 (MANE Select); coding-DNA position 1465, G replaced by A.
Protein change: p.Val489Ile; replaces valine 489 with isoleucine.
Molecular consequence: missense variant. On other transcripts: synonymous variant (1), 3 prime UTR variant (3), non-coding transcript variant (11).
Genome position (GRCh38, 1-based): chr19:4,694,712, C>T on the plus strand (G>A on the coding strand, the complement: DPP9 is on the minus strand). VCF-style: chr19-4694712-C-T. GRCh37 (hg19) VCF-style: chr19-4694724-C-T.
Other names: c.1465G>A, p.Val489Ile (NM_001365987.2, NM_001384611.1, NM_001384612.1 and 12 more transcripts); c.1432G>A, p.Val478Ile (NM_001384619.1); c.1378G>A, p.Val460Ile (NM_001384623.1, NM_001384624.1, NM_001384625.1 and 4 more transcripts); c.1225G>A, p.Val409Ile (NM_001384631.1, NM_001384635.1); c.1431G>A, p.Pro477= (NM_001384634.1); c.*111G>A (NM_001384636.1, NM_001384637.1, NM_001384638.1); short protein forms V409I, V460I, V478I, V489I.
Identifiers: ClinVar variation 4813152 (VCV004813152.1).

ClinVar aggregate classification (germline): Uncertain significance (1 of 4 stars; one submission).

Conditions:
Hatipoglu immunodeficiency syndrome (HATIS). Also called: IMMUNODEFICIENCY 111. Identifiers: MedGen C5830439, MONDO:0957229, OMIM 620331.

gnomAD v4.1: 2,436 of 1,613,334 alleles (0.15%); highest among the groups gnomAD compares: Non-Finnish European, 0.19%; 1 homozygote.

Submission:

St. Jude Molecular Pathology, St. Jude Children's Research Hospital
Classification: Uncertain significance for Hatipoglu immunodeficiency syndrome. Last evaluated: 2026-02-11. Review status: criteria provided, single submitter. Criteria: St. Jude Assertion Criteria 2020. Collection method: clinical testing. Allele origin: germline.
Comment: The DPP9 c.1465G>A p.(Val489Ile) missense change has a maximum subpopulation frequency of 0.1% in gnomAD v2.1.1. The in silico tool REVEL predicts a benign effect on protein function, but to our knowledge this prediction has not been confirmed by functional studies. To our knowledge, this variant has not been reported in individuals with Hatipaglu immunodeficiency syndrome. In summary, the evidence currently available is insufficient to determine the clinical significance of this variant. It has therefore been classified as of uncertain significance.